The following is an entry in ClinVar:

NM_003809.3(TNFSF12):c.29G>C (p.Arg10Thr)

Genes: TNFSF12 (TNF superfamily member 12; plus strand), TNFSF12-TNFSF13 (TNFSF12-TNFSF13 readthrough; plus strand), LOC130060153 (ATAC-STARR-seq lymphoblastoid silent region 8127; plus strand). Cytogenetic location: 17p13.1.
Variant type: single nucleotide variant.
Coding change: c.29G>C on transcript NM_003809.3 (MANE Select); coding-DNA position 29, G replaced by C.
Protein change: p.Arg10Thr; replaces arginine 10 with threonine.
Molecular consequence: missense variant. On other transcripts: non-coding transcript variant (1).
Genome position (GRCh38, 1-based): chr17:7,549,182, G>C. VCF-style: chr17-7549182-G-C. GRCh37 (hg19) VCF-style: chr17-7452499-G-C.
Other names: c.29G>C, p.Arg10Thr (NM_172089.4); short protein forms R10T.
Identifiers: ClinVar variation 2739988 (VCV002739988.3), dbSNP rs912497750, ClinGen allele CA287462145.

ClinVar aggregate classification (germline): Uncertain significance (1 of 4 stars; one submission).

Conditions:
Common variable immunodeficiency (CVID). Also called: Common variable hypogamma-globulinemia; Common variable agammaglobulinemia. Identifiers: Orphanet 1572, MedGen C0009447, MONDO:0015517.

Allele frequency attached by ClinVar (database versions not stated): gnomAD 0.00001; TOPMed 0.00002; gnomAD exomes 0.00002.
gnomAD v4.1: 29 of 1,301,140 alleles (0.0022%); highest among the groups gnomAD compares: Non-Finnish European, 0.0027%; no homozygotes.

Submission:

Labcorp Genetics (formerly Invitae), Labcorp
Classification: Uncertain significance for Common variable immunodeficiency. Last evaluated: 2026-01-06. Review status: criteria provided, single submitter. Criteria: Invitae Variant Classification Sherloc (09022015). Collection method: clinical testing. Allele origin: germline.
Comment: This sequence change replaces arginine, which is basic and polar, with threonine, which is neutral and polar, at codon 10 of the TNFSF12 protein (p.Arg10Thr). This variant is not present in population databases (gnomAD no frequency). This variant has not been reported in the literature in individuals affected with TNFSF12-related conditions. ClinVar contains an entry for this variant (Variation ID: 2739988). Experimental studies and prediction algorithms are not available or were not evaluated, and the functional significance of this variant is currently unknown. In summary, the available evidence is currently insufficient to determine the role of this variant in disease. Therefore, it has been classified as a Variant of Uncertain Significance.